The following is an entry in ClinVar:

ClinVar aggregate classification (germline): Benign (1 of 4 stars; one submission).

Conditions:
Mendelian susceptibility to mycobacterial diseases due to partial STAT1 deficiency. Also called: IMMUNODEFICIENCY 31A, MYCOBACTERIOSIS, AUTOSOMAL DOMINANT; STAT1 DEFICIENCY, AUTOSOMAL DOMINANT; Immunodeficiency 31a. Identifiers: Orphanet 319595, MedGen C4013950, MONDO:0013956, OMIM 614892.

Allele frequency attached by ClinVar (database versions not stated): gnomAD exomes 0.00005; TOPMed 0.00007; 1000 Genomes Project 0.00180; 1000 Genomes Project 30x 0.00187.
gnomAD v4.1: 43 of 175,986 alleles (0.024%); highest among the groups gnomAD compares: South Asian, 0.79%; no homozygotes.

Submission:

Illumina Laboratory Services, Illumina
Classification: Benign for Mendelian susceptibility to mycobacterial diseases due to partial STAT1 deficiency. Last evaluated: 2018-01-13. Review status: criteria provided, single submitter. Criteria: ICSL Variant Classification Criteria 13 December 2019. Collection method: clinical testing. Allele origin: germline.
Comment: This variant was observed in the ICSL laboratory as part of a predisposition screen in an ostensibly healthy population. It had not been previously curated by ICSL or reported in the Human Gene Mutation Database (HGMD: prior to June 1st, 2018), and was therefore a candidate for classification through an automated scoring system. Utilizing variant allele frequency, disease prevalence and penetrance estimates, and inheritance mode, an automated score was calculated to assess if this variant is too frequent to cause the disease. Based on the score and internal cut-off values, a variant classified as benign is not then subjected to further curation. The score for this variant resulted in a classification of benign for this disease.

NM_007315.4(STAT1):c.-189C>G

Genes: STAT1 (signal transducer and activator of transcription 1; minus strand), LOC129935278 (ATAC-STARR-seq lymphoblastoid silent region 12191; plus strand). Cytogenetic location: 2q32.2.
Variant type: single nucleotide variant.
Coding change: c.-189C>G on transcript NM_007315.4 (MANE Select); 189 bases upstream of the start codon, C replaced by G.
Molecular consequence: 5 prime UTR variant.
Genome position (GRCh38, 1-based): chr2:191,014,051, G>C on the plus strand (C>G on the coding strand, the complement: STAT1 is on the minus strand). VCF-style: chr2-191014051-G-C. GRCh37 (hg19) VCF-style: chr2-191878777-G-C.
Other names: c.-189C>G (NM_001384880.1, NM_001384882.1, NM_001384883.1 and 8 more transcripts); c.-266C>G (NM_001384881.1, NM_001384884.1).
Identifiers: ClinVar variation 898670 (VCV000898670.4), dbSNP rs45470392, ClinGen allele CA62693979.